The following is an entry in ClinVar:

NM_001042424.3(NSD2):c.3981C>G (p.Asp1327Glu)

Gene: NSD2 (nuclear receptor binding SET domain protein 2; plus strand). Cytogenetic location: 4p16.3.
Variant type: single nucleotide variant.
Coding change: c.3981C>G on transcript NM_001042424.3 (MANE Select); coding-DNA position 3981, C replaced by G.
Protein change: p.Asp1327Glu; replaces aspartic acid 1327 with glutamic acid.
Molecular consequence: missense variant.
Genome position (GRCh38, 1-based): chr4:1,978,792, C>G. VCF-style: chr4-1978792-C-G. GRCh37 (hg19) VCF-style: chr4-1980519-C-G.
Other names: c.3981C>G, p.Asp1327Glu (NM_133330.3, NM_133331.3, NM_133335.4); short protein forms D1327E.
Identifiers: ClinVar variation 3202295 (VCV003202295.2), dbSNP rs1291087144, ClinGen allele CA356006235.

ClinVar aggregate classification (germline): Uncertain significance. Review status: criteria provided, multiple submitters, no conflicts (2 of 4 stars). 2 submissions from 2 submitters: Uncertain significance (2). Last evaluated 2025-06-11.

Conditions:
Inborn genetic diseases. Identifiers: MedGen C0950123, MeSH D030342.

Allele frequency attached by ClinVar (database versions not stated): gnomAD exomes below 0.00001; TOPMed 0.00002.
gnomAD v4.1: 14 of 1,613,456 alleles (0.00087%); highest among the groups gnomAD compares: East Asian, 0.0045%; no homozygotes.

Submissions (2):

Labcorp Genetics (formerly Invitae), Labcorp
Classification: Uncertain significance. Last evaluated: 2025-06-11. Review status: criteria provided, single submitter. Criteria: Invitae Variant Classification Sherloc (09022015). Collection method: clinical testing. Allele origin: germline.
Comment: This sequence change replaces aspartic acid, which is acidic and polar, with glutamic acid, which is acidic and polar, at codon 1327 of the WHSC1 protein (p.Asp1327Glu). This variant is present in population databases (no rsID available, gnomAD 0.006%). This variant has not been reported in the literature in individuals affected with WHSC1-related conditions. ClinVar contains an entry for this variant (Variation ID: 3202295). Invitae Evidence Modeling of protein sequence and biophysical properties (such as structural, functional, and spatial information, amino acid conservation, physicochemical variation, residue mobility, and thermodynamic stability) indicates that this missense variant is not expected to disrupt WHSC1 protein function with a negative predictive value of 80%. In summary, the available evidence is currently insufficient to determine the role of this variant in disease. Therefore, it has been classified as a Variant of Uncertain Significance.

Ambry Genetics
Classification: Uncertain significance for Inborn genetic diseases. Last evaluated: 2024-02-17. Review status: criteria provided, single submitter. Criteria: Ambry Variant Classification Scheme 2023. Collection method: clinical testing. Allele origin: germline.